The following is an entry in ClinVar:

NM_006059.4(LAMC3):c.2517G>A (p.Thr839=)

Gene: LAMC3 (laminin subunit gamma 3; plus strand). Cytogenetic location: 9q34.12.
Variant type: single nucleotide variant.
Coding change: c.2517G>A on transcript NM_006059.4 (MANE Select); coding-DNA position 2517, G replaced by A.
Protein change: p.Thr839=; no amino-acid change (threonine 839 retained).
Molecular consequence: synonymous variant.
Genome position (GRCh38, 1-based): chr9:131,067,129, G>A. VCF-style: chr9-131067129-G-A. GRCh37 (hg19) VCF-style: chr9-133942516-G-A.
Identifiers: ClinVar variation 378069 (VCV000378069.48), dbSNP rs140540789, ClinGen allele CA5287463.

ClinVar aggregate classification (germline): Conflicting classifications of pathogenicity. Review status: criteria provided, conflicting classifications (1 of 4 stars). 7 submissions from 7 submitters: Uncertain significance (1); Benign (2); Likely benign (3). 1 of the submissions does not count toward it. Last evaluated 2026-02-02.

Conditions:
LAMC3-related disorder. Also called: LAMC3-related condition.

Allele frequency attached by ClinVar (database versions not stated): gnomAD exomes 0.00390 and 0.00246; 1000 Genomes Project 30x 0.00109; 1000 Genomes Project 0.00120; ESP Exome Variant Server 0.00185; ExAC 0.00224; TOPMed 0.00264; gnomAD 0.00280 and 0.00292.
gnomAD v4.1: 6,069 of 1,614,134 alleles (0.38%); highest among the groups gnomAD compares: Non-Finnish European, 0.45%; 8 homozygotes.

Submissions (11):

Labcorp Genetics (formerly Invitae), Labcorp
Classification: Benign. Last evaluated: 2026-02-02. Review status: criteria provided, single submitter. Criteria: Invitae Variant Classification Sherloc (09022015). Collection method: clinical testing. Allele origin: germline.

CeGaT Center for Human Genetics Tuebingen
Classification: Likely benign. Last evaluated: 2025-02-01. Review status: criteria provided, single submitter. Criteria: CeGaT Center For Human Genetics Tuebingen Variant Classification Criteria Version 2. Collection method: clinical testing. Allele origin: germline. Affected: yes. Observed: 4 variant alleles.
Comment: LAMC3: BP4, BP7

Blueprint Genetics
Classification: Likely benign. Last evaluated: 2024-11-20. Review status: criteria provided, single submitter. Criteria: ACMG Guidelines, 2015. Collection method: clinical testing. Allele origin: germline.

Eurofins Ntd Llc (ga)
Classification: Uncertain significance. Last evaluated: 2017-05-30. Review status: criteria provided, single submitter. Criteria: EGL Classification Definitions 2015. Collection method: clinical testing. Allele origin: germline. Observed: 2 variant alleles, 2 heterozygotes.

Genetic Services Laboratory, University of Chicago
Classification: Likely benign. Last evaluated: 2016-10-05. Review status: criteria provided, single submitter. Criteria: ACMG Guidelines, 2015. Collection method: clinical testing. Allele origin: germline. Affected: no.

GeneDx
Classification: Benign. Last evaluated: 2015-09-04. Review status: criteria provided, single submitter. Criteria: GeneDx Variant Classification (06012015). Collection method: clinical testing. Allele origin: germline. Affected: yes.
Comment: This variant is considered likely benign or benign based on one or more of the following criteria: it is a conservative change, it occurs at a poorly conserved position in the protein, it is predicted to be benign by multiple in silico algorithms, and/or has population frequency not consistent with disease.

PreventionGenetics, part of Exact Sciences
Classification: Likely benign for LAMC3-related condition. Last evaluated: 2020-08-10. Review status: no assertion criteria provided. Collection method: clinical testing. Allele origin: germline. Not counted in ClinVar's aggregate classification.
Comment: This variant is classified as likely benign based on ACMG/AMP sequence variant interpretation guidelines (Richards et al. 2015 PMID: 25741868, with internal and published modifications).

Dr. Peter K. Rogan Lab, Western University
No classification provided (evidence only). Condition: Clear cell carcinoma of kidney. Review status: no classification provided. Collection method: in vitro. Allele origin: not applicable. Functional consequence: retained intron. Not counted in ClinVar's aggregate classification.

Dr. Peter K. Rogan Lab, Western University
No classification provided (evidence only). Condition: Melanoma. Review status: no classification provided. Collection method: in vitro. Allele origin: not applicable. Functional consequence: retained intron. Not counted in ClinVar's aggregate classification.

Dr. Peter K. Rogan Lab, Western University
No classification provided (evidence only). Condition: Malignant tumor of esophagus. Review status: no classification provided. Collection method: in vitro. Allele origin: not applicable. Functional consequence: retained intron. Not counted in ClinVar's aggregate classification.

Dr. Peter K. Rogan Lab, Western University
No classification provided (evidence only). Condition: Ovarian cancer. Review status: no classification provided. Collection method: in vitro. Allele origin: not applicable. Functional consequence: retained intron. Not counted in ClinVar's aggregate classification.